The following is an entry in ClinVar:

ClinVar aggregate classification (germline): Pathogenic/Likely pathogenic. Review status: criteria provided, multiple submitters, no conflicts (2 of 4 stars). 2 submissions from 2 submitters: Pathogenic (1); Likely pathogenic (1). Last evaluated 2025-05-05.

Conditions:
Hereditary cancer-predisposing syndrome. Also called: Neoplastic Syndromes, Hereditary; Hereditary Cancer Syndrome; Tumor predisposition; Hereditary neoplastic syndrome. Identifiers: Orphanet 140162, MedGen C0027672, MeSH D009386, MONDO:0015356.

Submissions (2):

Ambry Genetics
Classification: Pathogenic for Hereditary cancer-predisposing syndrome. Last evaluated: 2025-05-05. Review status: criteria provided, single submitter. Criteria: Ambry Variant Classification Scheme 2023. Collection method: clinical testing. Allele origin: germline.
Comment: The c.422delA pathogenic mutation, located in coding exon 2 of the CHEK2 gene, results from a deletion of one nucleotide at nucleotide position 422, causing a translational frameshift with a predicted alternate stop codon (p.K141Rfs*20). This variant is considered to be rare based on population cohorts in the Genome Aggregation Database (gnomAD). This alteration is expected to result in loss of function by premature protein truncation or nonsense-mediated mRNA decay. As such, this alteration is interpreted as a disease-causing mutation.

GeneDx
Classification: Likely pathogenic. Last evaluated: 2017-10-30. Review status: criteria provided, single submitter. Criteria: GeneDx Variant Classification (06012015). Collection method: clinical testing. Allele origin: germline. Affected: yes.
Comment: This deletion of one nucleotide in CHEK2 is denoted c.422delA at the cDNA level and p.Lys141ArgfsX20 (K141RfsX20) at the protein level. The normal sequence, with the base that is deleted in brackets, is AGCA[delA]GAAA. The deletion causes a frameshift which changes a Lysine to an Arginine at codon 141, and creates a premature stop codon at position 20 of the new reading frame. Although this variant has not, to our knowledge, been reported in the literature, it is predicted to cause loss of normal protein function through either protein truncation or nonsense-mediated mRNA decay. Based on the currently available information, we consider this deletion to be a likely pathogenic variant.

NM_007194.4(CHEK2):c.422del (p.Lys141fs)

Gene: CHEK2 (checkpoint kinase 2; minus strand). Cytogenetic location: 22q12.1.
Variant type: Deletion.
Coding change: c.422del on transcript NM_007194.4 (MANE Select); coding-DNA position 422, one base deleted (A; older notation c.422delA).
Protein change: p.Lys141fs; shifts the reading frame from lysine 141.
Molecular consequence: frameshift variant.
Genome position (GRCh38, 1-based): chr22:28,725,265, T deleted on the plus strand (A on the coding strand, the reverse complement: CHEK2 is on the minus strand); the first of 2 consecutive T bases (chr22:28,725,265-28,725,266); deleting either gives the same sequence. VCF-style (leftmost placement, unchanged base first): chr22-28725264-CT-C. GRCh37 (hg19) VCF-style: chr22-29121252-CT-C.
Other names: c.550delA, p.Lys184Argfs (NM_001005735.3); c.-357delA (NM_001257387.3); c.421delA, p.Lys141Argfs (NM_001349956.3, NM_145862.3); short protein forms K141fs, K184fs.
Identifiers: ClinVar variation 545834 (VCV000545834.3), dbSNP rs1555927165, ClinGen allele CA658824802.